The following is an entry in ClinVar:

NM_016169.4(SUFU):c.911-8C>T

Gene: SUFU (SUFU negative regulator of hedgehog signaling; plus strand). Cytogenetic location: 10q24.32.
Variant type: single nucleotide variant.
Coding change: c.911-8C>T on transcript NM_016169.4 (MANE Select); 8 bases into the intron before coding-DNA position 911, C replaced by T.
Molecular consequence: intron variant.
Genome position (GRCh38, 1-based): chr10:102,599,425, C>T. VCF-style: chr10-102599425-C-T. GRCh37 (hg19) VCF-style: chr10-104359182-C-T.
Other names: c.911-8C>T (NM_001178133.2).
Identifiers: ClinVar variation 1140548 (VCV001140548.36), dbSNP rs771361493, ClinGen allele CA5667815.

ClinVar aggregate classification (germline): Conflicting classifications of pathogenicity. Review status: criteria provided, conflicting classifications (1 of 4 stars). 2 submissions from 2 submitters: Uncertain significance (1); Likely benign (1). Last evaluated 2025-11-10.

Conditions:
Gorlin syndrome. Also called: Nevoid Basal Cell Carcinoma Syndrome; Basal cell nevus syndrome. Identifiers: Orphanet 377, MedGen C0004779, MONDO:0007187.
Medulloblastoma (MDB). Also called: MEDULLOBLASTOMA PREDISPOSITION SYNDROME; Medulloblastoma, somatic. Identifiers: Orphanet 616, MedGen C0025149, MeSH D008527, MONDO:0007959, OMIM 155255, HP:0002885.

Allele frequency attached by ClinVar (database versions not stated): gnomAD exomes below 0.00001; TOPMed below 0.00001; ExAC 0.00001.
gnomAD v4.1: 6 of 1,608,706 alleles (0.00037%); highest among the groups gnomAD compares: East Asian, 0.0022%; no homozygotes.

Submissions (2):

Labcorp Genetics (formerly Invitae), Labcorp
Classification: Likely benign for Gorlin syndrome; Medulloblastoma. Last evaluated: 2025-11-10. Review status: criteria provided, single submitter. Criteria: Invitae Variant Classification Sherloc (09022015). Collection method: clinical testing. Allele origin: germline.

CeGaT Center for Human Genetics Tuebingen
Classification: Uncertain significance. Last evaluated: 2023-06-01. Review status: criteria provided, single submitter. Criteria: CeGaT Center For Human Genetics Tuebingen Variant Classification Criteria Version 2. Collection method: clinical testing. Allele origin: germline. Affected: yes. Observed: 1 variant allele.
Comment: SUFU: PM2:Supporting, BP4